The following is an entry in ClinVar:

NM_006206.6(PDGFRA):c.179C>G (p.Pro60Arg)

Gene: PDGFRA (platelet derived growth factor receptor alpha; plus strand). Cytogenetic location: 4q12.
Variant type: single nucleotide variant.
Coding change: c.179C>G on transcript NM_006206.6 (MANE Select); coding-DNA position 179, C replaced by G.
Protein change: p.Pro60Arg; replaces proline 60 with arginine.
Molecular consequence: missense variant.
Genome position (GRCh38, 1-based): chr4:54,261,224, C>G. VCF-style: chr4-54261224-C-G. GRCh37 (hg19) VCF-style: chr4-55127391-C-G.
Other names: c.179C>G, p.Pro60Arg (NM_001347827.2, NM_001347829.2); c.254C>G, p.Pro85Arg (NM_001347828.2); c.218C>G, p.Pro73Arg (NM_001347830.2); short protein forms P60R, P73R, P85R.
Identifiers: ClinVar variation 2846487 (VCV002846487.3), dbSNP rs2475422070, ClinGen allele CA356888426.
Genomic context (GRCh38, chr4:54,261,224, plus strand): 5'-AGCTGAATTCATCCTTTTCTCTGAGATGCTTTGGGGAGAGTGAAGTGAGCTGGCAGTACC[C>G]CATGTCTGAAGAAGAGAGCTCCGATGTGGAAATCAGAAATGAAGAAAACAACAGCGGCCT-3'
Protein context (NP_006197.1, residues 50-70): FGESEVSWQY[Pro60Arg]MSEEESSDVE

ClinVar aggregate classification (germline): Uncertain significance (1 of 4 stars; one submission).

Conditions:
Gastrointestinal stromal tumor. Also called: Gastrointestinal stromal tumor, somatic; Gastrointestinal stroma tumor. Identifiers: Orphanet 44890, MedGen C0238198, MeSH D046152, MONDO:0011719, OMIM 606764, HP:0100723.

Submission:

Labcorp Genetics (formerly Invitae), Labcorp
Classification: Uncertain significance for Gastrointestinal stromal tumor. Last evaluated: 2023-03-17. Review status: criteria provided, single submitter. Criteria: Invitae Variant Classification Sherloc (09022015). Collection method: clinical testing. Allele origin: germline.
Comment: This variant has not been reported in the literature in individuals affected with PDGFRA-related conditions. This variant is not present in population databases (gnomAD no frequency). This sequence change replaces proline, which is neutral and non-polar, with arginine, which is basic and polar, at codon 60 of the PDGFRA protein (p.Pro60Arg). In summary, the available evidence is currently insufficient to determine the role of this variant in disease. Therefore, it has been classified as a Variant of Uncertain Significance. An algorithm developed to predict the effect of missense changes on protein structure and function (PolyPhen-2) suggests that this variant is likely to be disruptive.